The following is an entry in ClinVar:

ClinVar aggregate classification (germline): Uncertain significance (1 of 4 stars; one submission).

Submission:

GeneDx
Classification: Uncertain significance. Last evaluated: 2025-04-28. Review status: criteria provided, single submitter. Criteria: GeneDx Variant Classification Process June 2021. Collection method: clinical testing. Allele origin: germline. Affected: yes.
Comment: Not observed at significant frequency in large population cohorts (gnomAD); In silico analysis indicates that this missense variant does not alter protein structure/function; Has not been previously published as pathogenic or benign to our knowledge

NM_021008.4(DEAF1):c.1391T>C (p.Leu464Pro)

Genes: DEAF1 (DEAF1 transcription factor; minus strand), LOC126861109 (BRD4-independent group 4 enhancer GRCh37_chr11:673917-675116; plus strand). Cytogenetic location: 11p15.5.
Variant type: single nucleotide variant.
Coding change: c.1391T>C on transcript NM_021008.4 (MANE Select); coding-DNA position 1391, T replaced by C.
Protein change: p.Leu464Pro; replaces leucine 464 with proline.
Molecular consequence: missense variant.
Genome position (GRCh38, 1-based): chr11:674,648, A>G on the plus strand (T>C on the coding strand, the complement: DEAF1 is on the minus strand). VCF-style: chr11-674648-A-G. GRCh37 (hg19) VCF-style: chr11-674648-A-G.
Other names: c.1124T>C, p.Leu375Pro (NM_001293634.2); c.665T>C, p.Leu222Pro (NM_001367390.1, NM_001440885.1, NM_001440886.1 and 1 more transcripts); c.1391T>C, p.Leu464Pro (NM_001440883.1); c.1262T>C, p.Leu421Pro (NM_001440884.1); short protein forms L222P, L375P, L421P, L464P.
Identifiers: ClinVar variation 4527328 (VCV004527328.1).